The following is an entry in ClinVar:

NM_024757.5(EHMT1):c.1756C>T (p.Gln586Ter)

Gene: EHMT1 (euchromatic histone lysine methyltransferase 1; plus strand). Cytogenetic location: 9q34.3.
Variant type: single nucleotide variant.
Coding change: c.1756C>T on transcript NM_024757.5 (MANE Select); coding-DNA position 1756, C replaced by T.
Protein change: p.Gln586Ter; replaces glutamine 586 with a stop codon.
Molecular consequence: nonsense.
Genome position (GRCh38, 1-based): chr9:137,775,217, C>T. VCF-style: chr9-137775217-C-T. GRCh37 (hg19) VCF-style: chr9-140669669-C-T.
Other names: c.1756C>T, p.Gln586Ter (NM_001145527.2); c.1663C>T, p.Gln555Ter (NM_001354259.2); c.1735C>T, p.Gln579Ter (NM_001354263.2); short protein forms Q555*, Q579*, Q586*.
Identifiers: ClinVar variation 3236886 (VCV003236886.1).

ClinVar aggregate classification (germline): Pathogenic (1 of 4 stars; one submission).

Conditions:
Kleefstra syndrome 1 (KLEFS1). Identifiers: Orphanet 261494, MedGen C0795833, MONDO:0027407, OMIM 610253.

Submission:

Laboratory of Genetics, Children's Clinical University Hospital Latvia
Classification: Pathogenic for Kleefstra syndrome 1. Review status: criteria provided, single submitter. Criteria: ACMG Guidelines, 2015. Collection method: curation. Allele origin: de novo. Affected: yes.
Comment: de novo

Literature cited by the submitters: PubMed 39013458.